The following is an entry in ClinVar:

ClinVar aggregate classification (germline): Uncertain significance (1 of 4 stars; one submission).

Allele frequency attached by ClinVar (database versions not stated): gnomAD 0.00001 and 0.00003; gnomAD exomes 0.00001; 1000 Genomes Project 30x 0.00016; 1000 Genomes Project 0.00020.
gnomAD v4.1: 8 of 1,535,356 alleles (0.00052%); highest among the groups gnomAD compares: African/African-American, 0.0027%; no homozygotes.

Submission:

Labcorp Genetics (formerly Invitae), Labcorp
Classification: Uncertain significance. Last evaluated: 2022-01-12. Review status: criteria provided, single submitter. Criteria: Invitae Variant Classification Sherloc (09022015). Collection method: clinical testing. Allele origin: germline.
Comment: In summary, the available evidence is currently insufficient to determine the role of this variant in disease. Therefore, it has been classified as a Variant of Uncertain Significance. Algorithms developed to predict the effect of missense changes on protein structure and function are either unavailable or do not agree on the potential impact of this missense change (SIFT: "Deleterious"; PolyPhen-2: "Not Available"; Align-GVGD: "Class C0"). This variant has not been reported in the literature in individuals affected with PDZD7-related conditions. This variant is present in population databases (rs574483811, gnomAD 0.007%). This sequence change replaces arginine, which is basic and polar, with glutamine, which is neutral and polar, at codon 933 of the PDZD7 protein (p.Arg933Gln).

NM_001195263.2(PDZD7):c.2798G>A (p.Arg933Gln)

Gene: PDZD7 (PDZ domain containing 7; minus strand). Cytogenetic location: 10q24.31.
Variant type: single nucleotide variant.
Coding change: c.2798G>A on transcript NM_001195263.2 (MANE Select); coding-DNA position 2798, G replaced by A.
Protein change: p.Arg933Gln; replaces arginine 933 with glutamine.
Molecular consequence: missense variant.
Genome position (GRCh38, 1-based): chr10:101,008,771, C>T on the plus strand (G>A on the coding strand, the complement: PDZD7 is on the minus strand). VCF-style: chr10-101008771-C-T. GRCh37 (hg19) VCF-style: chr10-102768528-C-T.
Other names: short protein forms R933Q.
Identifiers: ClinVar variation 1460739 (VCV001460739.4), dbSNP rs574483811, ClinGen allele CA212977360.